The following is an entry in ClinVar:

NM_000137.4(FAH):c.354del (p.Ala119fs)

Genes: FAH (fumarylacetoacetate hydrolase; plus strand), LOC112272621 (Sharpr-MPRA regulatory region 12283; plus strand). Cytogenetic location: 15q25.1.
Variant type: Deletion.
Coding change: c.354del on transcript NM_000137.4 (MANE Select); coding-DNA position 354, one base deleted (A; older notation c.354delA).
Protein change: p.Ala119fs; shifts the reading frame from alanine 119.
Molecular consequence: frameshift variant.
Genome position (GRCh38, 1-based): chr15:80,160,449, A deleted. VCF-style (leftmost placement, unchanged base first): chr15-80160448-CA-C. GRCh37 (hg19) VCF-style: chr15-80452790-CA-C.
Other names: c.354del, p.Ala119fs (NM_001374377.1, NM_001374380.1); short protein forms A119fs.
Identifiers: ClinVar variation 966300 (VCV000966300.7), dbSNP rs2041138762, ClinGen allele CA1139664105.

ClinVar aggregate classification (germline): Pathogenic (1 of 4 stars; one submission).

Conditions:
Tyrosinemia type I (TYRSN1). Also called: HEPATORENAL TYROSINEMIA; Tyrosinemia type 1; Fumarylacetoacetase deficiency; Deficiency of fumarylacetoacetase; FAH DEFICIENCY. Identifiers: Orphanet 882, MedGen C0268490, MONDO:0010161, OMIM 276700. Disease mechanism: loss of function.

Submission:

Labcorp Genetics (formerly Invitae), Labcorp
Classification: Pathogenic for Tyrosinemia type I. Last evaluated: 2022-02-05. Review status: criteria provided, single submitter. Criteria: Invitae Variant Classification Sherloc (09022015). Collection method: clinical testing. Allele origin: germline.
Comment: ClinVar contains an entry for this variant (Variation ID: 966300). This variant has not been reported in the literature in individuals affected with FAH-related conditions. This variant is not present in population databases (gnomAD no frequency). This sequence change creates a premature translational stop signal (p.Ala119Profs*3) in the FAH gene. It is expected to result in an absent or disrupted protein product. Loss-of-function variants in FAH are known to be pathogenic (PMID: 9101289, 9633815). For these reasons, this variant has been classified as Pathogenic.

Literature cited by the submitters: PubMed 9101289; PubMed 9633815.